The following is an entry in ClinVar:

NM_000541.5(SAG):c.1198A>G (p.Lys400Glu)

Gene: SAG (S-antigen visual arrestin; plus strand). Cytogenetic location: 2q37.1.
Variant type: single nucleotide variant.
Coding change: c.1198A>G on transcript NM_000541.5 (MANE Select); coding-DNA position 1198, A replaced by G.
Protein change: p.Lys400Glu; replaces lysine 400 with glutamic acid.
Molecular consequence: missense variant.
Genome position (GRCh38, 1-based): chr2:233,346,892, A>G. VCF-style: chr2-233346892-A-G. GRCh37 (hg19) VCF-style: chr2-234255538-A-G.
Other names: c.1198A>G (NM_000541.4); short protein forms K400E.
Identifiers: ClinVar variation 1046796 (VCV001046796.11), dbSNP rs752977223, ClinGen allele CA2174720.

ClinVar aggregate classification (germline): Uncertain significance. Review status: criteria provided, multiple submitters, no conflicts (2 of 4 stars). 2 submissions from 2 submitters: Uncertain significance (2). Last evaluated 2025-11-11.

Conditions:
SAG-related disorder. Also called: SAG-related disorders; SAG-related condition.

Allele frequency attached by ClinVar (database versions not stated): gnomAD exomes below 0.00001 and 0.00001; ExAC 0.00001; gnomAD 0.00003; TOPMed 0.00003.
gnomAD v4.1: 14 of 1,609,688 alleles (0.00087%); highest among the groups gnomAD compares: Admixed American, 0.0017%; no homozygotes.

Submissions (2):

PreventionGenetics, part of Exact Sciences
Classification: Uncertain significance for SAG-related condition. Last evaluated: 2025-11-11. Review status: criteria provided, single submitter. Criteria: ACMG Guidelines, 2015. Collection method: clinical testing. Allele origin: germline.
Comment: The SAG c.1198A>G variant is predicted to result in the amino acid substitution p.Lys400Glu. To our knowledge, this variant has not been reported in the literature. This variant is reported in 0.0029% of alleles in individuals of Latino descent in gnomAD. At this time, the clinical significance of this variant is uncertain due to the absence of conclusive functional and genetic evidence.

Labcorp Genetics (formerly Invitae), Labcorp
Classification: Uncertain significance. Last evaluated: 2025-06-27. Review status: criteria provided, single submitter. Criteria: Invitae Variant Classification Sherloc (09022015). Collection method: clinical testing. Allele origin: germline.
Comment: This sequence change replaces lysine, which is basic and polar, with glutamic acid, which is acidic and polar, at codon 400 of the SAG protein (p.Lys400Glu). This variant is present in population databases (rs752977223, gnomAD 0.003%). This variant has not been reported in the literature in individuals affected with SAG-related conditions. ClinVar contains an entry for this variant (Variation ID: 1046796). An algorithm developed to predict the effect of missense changes on protein structure and function outputs the following: PolyPhen-2: "Benign". The glutamic acid amino acid residue is found in multiple mammalian species, which suggests that this missense change does not adversely affect protein function. In summary, the available evidence is currently insufficient to determine the role of this variant in disease. Therefore, it has been classified as a Variant of Uncertain Significance.